The following is an entry in ClinVar:

NM_000038.6(APC):c.423-2650G>T

Gene: APC (APC regulator of WNT signaling pathway; plus strand). Cytogenetic location: 5q22.2.
Variant type: single nucleotide variant.
Coding change: c.423-2650G>T on transcript NM_000038.6 (MANE Select); 2650 bases into the intron before coding-DNA position 423, G replaced by T.
Molecular consequence: intron variant.
Genome position (GRCh38, 1-based): chr5:112,772,979, G>T. VCF-style: chr5-112772979-G-T. GRCh37 (hg19) VCF-style: chr5-112108676-G-T.
Other names: c.423-2650G>T (NM_001354895.2, NM_001127510.3, NM_001354896.2 and 2 more transcripts); c.453-2650G>T (NM_001354897.2, NM_001354902.2, NM_001127511.3); c.348-2650G>T (NM_001354898.2, NM_001354904.2); c.-613-2650G>T (NM_001354906.2); c.246-2650G>T (NM_001354900.2, NM_001354901.2, NM_001354905.2).
Identifiers: ClinVar variation 82420 (VCV000082420.2), dbSNP rs76488927, ClinGen allele CA009236.

ClinVar aggregate classification (germline): other (0 of 4 stars; one submission).

Conditions:
Familial colorectal cancer. Identifiers: MedGen CN280943, MONDO:0023113. Disease mechanism: loss of function.

Submission:

Systems Biology Platform Zhejiang California International NanoSystems Institute
Classification: other for Familial colorectal cancer. Review status: no assertion criteria provided. Collection method: not provided. Allele origin: unknown.
ClinVar note: Converted during submission from cancer to other.